The following is an entry in ClinVar:

ClinVar aggregate classification (germline): Likely benign. Review status: criteria provided, single submitter (1 of 4 stars). 2 submissions from 2 submitters: Likely benign (1). 1 of the submissions does not count toward it. Last evaluated 2025-11-01.

Conditions:
NEFH-related disorder. Also called: NEFH-related condition.

Allele frequency attached by ClinVar (database versions not stated): gnomAD exomes 0.00001 and 0.00002; ExAC 0.00002; ESP Exome Variant Server 0.00008; gnomAD 0.00009; TOPMed 0.00013; 1000 Genomes Project 30x 0.00016; 1000 Genomes Project 0.00020.

Submissions (2):

Labcorp Genetics (formerly Invitae), Labcorp
Classification: Likely benign. Last evaluated: 2025-11-01. Review status: criteria provided, single submitter. Criteria: Invitae Variant Classification Sherloc (09022015). Collection method: clinical testing. Allele origin: germline.

PreventionGenetics, part of Exact Sciences
Classification: Likely benign for NEFH-related condition. Last evaluated: 2024-01-30. Review status: no assertion criteria provided. Collection method: clinical testing. Allele origin: germline. Not counted in ClinVar's aggregate classification.
Comment: This variant is classified as likely benign based on ACMG/AMP sequence variant interpretation guidelines (Richards et al. 2015 PMID: 25741868, with internal and published modifications).

NM_021076.4(NEFH):c.1014C>T (p.Thr338=)

Gene: NEFH (neurofilament heavy chain; plus strand). Cytogenetic location: 22q12.2.
Variant type: single nucleotide variant.
Coding change: c.1014C>T on transcript NM_021076.4 (MANE Select); coding-DNA position 1014, C replaced by T.
Protein change: p.Thr338=; no amino-acid change (threonine 338 retained).
Molecular consequence: synonymous variant.
Genome position (GRCh38, 1-based): chr22:29,483,505, C>T. VCF-style: chr22-29483505-C-T. GRCh37 (hg19) VCF-style: chr22-29879494-C-T.
Other names: c.1014C>T (NM_021076.3).
Identifiers: ClinVar variation 1548217 (VCV001548217.10), dbSNP rs146295487, ClinGen allele CA10174088.
Genomic context (GRCh38, chr22:29,483,505, plus strand): 5'-AACTGAGTACCGGCGTCAGCTGCAGGCCAGGACCACAGAGCTGGAGGCACTGAAAAGCAC[C>T]AAGGACTCACTGGAGAGGCAGCGCTCTGAGCTGGAGGACCGTCATCAGGCCGACATTGCC-3'
Protein context (NP_066554.2, residues 328-348): RTTELEALKS[Thr338=]KDSLERQRSE